The following is an entry in ClinVar:

ClinVar aggregate classification (germline): Likely benign. Review status: criteria provided, multiple submitters, no conflicts (2 of 4 stars). 2 submissions from 2 submitters: Likely benign (2). Last evaluated 2026-08-01.

Conditions:
Kabuki syndrome. Also called: NIIKAWA-KUROKI SYNDROME; Kabuki make-up syndrome. Identifiers: Orphanet 2322, MedGen C0796004, MONDO:0016512.

Allele frequency attached by ClinVar (database versions not stated): gnomAD 0.00001; gnomAD exomes 0.00001 and 0.00003; TOPMed 0.00001; ExAC 0.00003.
gnomAD v4.1: 8 of 1,613,856 alleles (0.0005%); highest among the groups gnomAD compares: Admixed American, 0.013%; no homozygotes.

Submissions (2):

CeGaT Center for Human Genetics Tuebingen
Classification: Likely benign. Last evaluated: 2026-08-01. Review status: criteria provided, single submitter. Criteria: CeGaT Center For Human Genetics Tuebingen Variant Classification Criteria Version 2. Collection method: clinical testing. Allele origin: germline. Affected: yes. Observed: 1 variant allele.
Comment: KMT2D: BP4, BS2

Labcorp Genetics (formerly Invitae), Labcorp
Classification: Likely benign for Kabuki syndrome. Last evaluated: 2025-09-08. Review status: criteria provided, single submitter. Criteria: Invitae Variant Classification Sherloc (09022015). Collection method: clinical testing. Allele origin: germline.

NM_003482.4(KMT2D):c.1106G>A (p.Cys369Tyr)

Gene: KMT2D (lysine methyltransferase 2D; minus strand). Cytogenetic location: 12q13.12.
Variant type: single nucleotide variant.
Coding change: c.1106G>A on transcript NM_003482.4 (MANE Select); coding-DNA position 1106, G replaced by A.
Protein change: p.Cys369Tyr; replaces cysteine 369 with tyrosine.
Molecular consequence: missense variant.
Genome position (GRCh38, 1-based): chr12:49,052,921, C>T on the plus strand (G>A on the coding strand, the complement: KMT2D is on the minus strand). VCF-style: chr12-49052921-C-T. GRCh37 (hg19) VCF-style: chr12-49446704-C-T.
Other names: short protein forms C369Y.
Identifiers: ClinVar variation 1133434 (VCV001133434.9), dbSNP rs759891330, ClinGen allele CA6548575.